The following is an entry in ClinVar:

NM_007186.6(CEP250):c.6095G>A (p.Arg2032Gln)

Gene: CEP250 (centrosomal protein 250; plus strand). Cytogenetic location: 20q11.22.
Variant type: single nucleotide variant.
Coding change: c.6095G>A on transcript NM_007186.6 (MANE Select); coding-DNA position 6095, G replaced by A.
Protein change: p.Arg2032Gln; replaces arginine 2032 with glutamine.
Molecular consequence: missense variant.
Genome position (GRCh38, 1-based): chr20:35,504,464, G>A. VCF-style: chr20-35504464-G-A. GRCh37 (hg19) VCF-style: chr20-34092292-G-A.
Other names: c.4199G>A, p.Arg1400Gln (NM_001318219.1); short protein forms R2032Q, R1400Q.
Identifiers: ClinVar variation 2164913 (VCV002164913.2), dbSNP rs370578505, ClinGen allele CA9834000.

ClinVar aggregate classification (germline): Uncertain significance (1 of 4 stars; one submission).

Allele frequency attached by ClinVar (database versions not stated): gnomAD 0.00001; TOPMed 0.00002; ExAC 0.00003; ESP Exome Variant Server 0.00008.

Submission:

Labcorp Genetics (formerly Invitae), Labcorp
Classification: Uncertain significance. Last evaluated: 2025-03-17. Review status: criteria provided, single submitter. Criteria: Invitae Variant Classification Sherloc (09022015). Collection method: clinical testing. Allele origin: germline.
Comment: This sequence change replaces arginine, which is basic and polar, with glutamine, which is neutral and polar, at codon 2032 of the CEP250 protein (p.Arg2032Gln). This variant is present in population databases (rs370578505, gnomAD 0.004%). This variant has not been reported in the literature in individuals affected with CEP250-related conditions. ClinVar contains an entry for this variant (Variation ID: 2164913). An algorithm developed to predict the effect of missense changes on protein structure and function outputs the following: PolyPhen-2: "Benign". The glutamine amino acid residue is found in multiple mammalian species, which suggests that this missense change does not adversely affect protein function. In summary, the available evidence is currently insufficient to determine the role of this variant in disease. Therefore, it has been classified as a Variant of Uncertain Significance.